The following is an entry in ClinVar:

NM_000038.6(APC):c.7720C>G (p.Leu2574Val)

Gene: APC (APC regulator of Wnt signaling pathway; plus strand). Cytogenetic location: 5q22.2.
Variant type: single nucleotide variant.
Coding change: c.7720C>G on transcript NM_000038.6 (MANE Select); coding-DNA position 7720, C replaced by G.
Protein change: p.Leu2574Val; replaces leucine 2574 with valine.
Molecular consequence: missense variant.
Genome position (GRCh38, 1-based): chr5:112,843,314, C>G. VCF-style: chr5-112843314-C-G. GRCh37 (hg19) VCF-style: chr5-112179011-C-G.
Other names: c.7720C>G, p.Leu2574Val (NM_001127510.3, NM_001354895.2); c.7666C>G, p.Leu2556Val (NM_001127511.3); c.7774C>G, p.Leu2592Val (NM_001354896.2); c.7750C>G, p.Leu2584Val (NM_001354897.2); c.7645C>G, p.Leu2549Val (NM_001354898.2); c.7636C>G, p.Leu2546Val (NM_001354899.2); c.7597C>G, p.Leu2533Val (NM_001354900.2); c.7543C>G, p.Leu2515Val (NM_001354901.2); and 5 more; short protein forms L2291V, L2448V, L2546V, L2515V, L2533V, L2592V, L2473V, L2483V.
Identifiers: ClinVar variation 1043102 (VCV001043102.11), dbSNP rs876659753, ClinGen allele CA16038097.
Genomic context (GRCh38, chr5:112,843,314, plus strand): 5'-CATTCATCATCCCTTCCTCGAGTAAGCACTTGGAGAAGAACTGGAAGTTCATCTTCAATT[C>G]TTTCTGCTTCATCAGAATCCAGTGAAAAAGCAAAAAGTGAGGATGAAAAACATGTGAACT-3'
Protein context (NP_000029.2, residues 2564-2584): WRRTGSSSSI[Leu2574Val]SASSESSEKA

ClinVar aggregate classification (germline): Uncertain significance. Review status: criteria provided, multiple submitters, no conflicts (2 of 4 stars). 2 submissions from 2 submitters: Uncertain significance (2). Last evaluated 2025-12-29.

Conditions:
Familial adenomatous polyposis 1 (FAP1). Also called: FAMILIAL ADENOMATOUS POLYPOSIS 1, ATTENUATED; POLYPOSIS, ADENOMATOUS INTESTINAL. Identifiers: MedGen C2713442, MONDO:0021056, OMIM 175100. Disease mechanism: loss of function.

Submissions (2):

Center for Genomic Medicine, Rigshospitalet, Copenhagen University Hospital
Classification: Uncertain significance. Last evaluated: 2025-12-29. Review status: criteria provided, single submitter. Criteria: ACMG Guidelines, 2015. Collection method: clinical testing. Allele origin: germline.
Comment: Classification criteria: BP1, PM2_supporting

Labcorp Genetics (formerly Invitae), Labcorp
Classification: Uncertain significance for Familial adenomatous polyposis 1. Last evaluated: 2020-06-15. Review status: criteria provided, single submitter. Criteria: Invitae Variant Classification Sherloc (09022015). Collection method: clinical testing. Allele origin: germline.
Comment: This sequence change replaces leucine with valine at codon 2574 of the APC protein (p.Leu2574Val). The leucine residue is highly conserved and there is a small physicochemical difference between leucine and valine. This variant is not present in population databases (ExAC no frequency). This variant has not been reported in the literature in individuals with APC-related conditions. Algorithms developed to predict the effect of missense changes on protein structure and function (SIFT, PolyPhen-2, Align-GVGD) all suggest that this variant is likely to be disruptive, but these predictions have not been confirmed by published functional studies and their clinical significance is uncertain. In summary, the available evidence is currently insufficient to determine the role of this variant in disease. Therefore, it has been classified as a Variant of Uncertain Significance.